The following is an entry in ClinVar:

ClinVar aggregate classification (germline): Likely benign (1 of 4 stars; one submission).

gnomAD v4.1: 166 of 1,595,756 alleles (0.01%); highest among the groups gnomAD compares: Admixed American, 0.081%; 1 homozygote.

Submission:

CeGaT Center for Human Genetics Tuebingen
Classification: Likely benign. Last evaluated: 2025-12-01. Review status: criteria provided, single submitter. Criteria: CeGaT Center For Human Genetics Tuebingen Variant Classification Criteria Version 2. Collection method: clinical testing. Allele origin: germline. Affected: yes. Observed: 1 variant allele.
Comment: SYNCRIP: BP4, BS1

NM_006372.5(SYNCRIP):c.375+8T>C

Gene: SYNCRIP (synaptotagmin binding cytoplasmic RNA interacting protein; minus strand). Cytogenetic location: 6q14.3.
Variant type: single nucleotide variant.
Coding change: c.375+8T>C on transcript NM_006372.5 (MANE Select); 8 bases into the intron after coding-DNA position 375, T replaced by C.
Molecular consequence: intron variant.
Genome position (GRCh38, 1-based): chr6:85,640,213, A>G on the plus strand (T>C on the coding strand, the complement: SYNCRIP is on the minus strand). VCF-style: chr6-85640213-A-G. GRCh37 (hg19) VCF-style: chr6-86349931-A-G.
Other names: c.375+8T>C (NM_001439160.1, NM_001439161.1, NM_001159674.2 and 5 more transcripts); c.-56+8T>C (NM_001253771.2); c.81+8T>C (NM_001159673.2, NM_001439159.1, NM_001410938.1).
Identifiers: ClinVar variation 4681451 (VCV004681451.5).